The following is an entry in ClinVar:

ClinVar aggregate classification (germline): Uncertain significance (1 of 4 stars; one submission).

gnomAD v4.1: 9 of 1,611,656 alleles (0.00056%); highest among the groups gnomAD compares: Admixed American, 0.0067%; no homozygotes.

Submission:

Women's Health and Genetics/Laboratory Corporation of America, LabCorp
Classification: Uncertain significance. Last evaluated: 2025-03-28. Review status: criteria provided, single submitter. Criteria: LabCorp Variant Classification Summary - May 2015. Collection method: clinical testing. Allele origin: germline.
Comment: Variant summary: TNXB c.8785+7G>T alters a non-conserved nucleotide located close to a canonical splice site and therefore could affect mRNA splicing, leading to a significantly altered protein sequence. Consensus agreement among computation tools predict no significant impact on normal splicing. However, these predictions have yet to be confirmed by functional studies. The variant allele was found at a frequency of 8.2e-06 in 242936 control chromosomes. The available data on variant occurrences in the general population are insufficient to allow any conclusion about variant significance. To our knowledge, no occurrence of c.8785+7G>T in individuals affected with Ehlers-Danlos syndrome due to tenascin-X deficiency and no experimental evidence demonstrating its impact on protein function have been reported. No submitters have cited clinical-significance assessments for this variant to ClinVar. Based on the evidence outlined above, the variant was classified as uncertain significance.

NM_001365276.2(TNXB):c.8791+7G>T

Gene: TNXB (tenascin XB; minus strand). Cytogenetic location: 6p21.33.
Variant type: single nucleotide variant.
Coding change: c.8791+7G>T on transcript NM_001365276.2 (MANE Select); 7 bases into the intron after coding-DNA position 8791, G replaced by T.
Molecular consequence: intron variant.
Genome position (GRCh38, 1-based): chr6:32,053,381, C>A on the plus strand (G>T on the coding strand, the complement: TNXB is on the minus strand). VCF-style: chr6-32053381-C-A. GRCh37 (hg19) VCF-style: chr6-32021158-C-A.
Other names: c.8785+7G>T (NM_019105.8); c.9532+7G>T (NM_001428335.1).
Identifiers: ClinVar variation 3895736 (VCV003895736.1).
Genomic context (GRCh38, chr6:32,053,381, plus strand): 5'-CACCCATCACCAGAGAAAGGGAGACCCTCCCACAGGCCCCACTCTGGGGCTCCCATCGTA[C>A]ACTCACCTGTCACCCCAATGACAGAGATGGGGCCCACGCGCTGGCCACCGTGGAAGCCGT-3'